The following is an entry in ClinVar:

NM_000363.5(TNNI3):c.108+5G>A

Gene: TNNI3 (troponin I3, cardiac type; minus strand). Cytogenetic location: 19q13.42.
Variant type: single nucleotide variant.
Coding change: c.108+5G>A on transcript NM_000363.5 (MANE Select); 5 bases into the intron after coding-DNA position 108, G replaced by A.
Molecular consequence: intron variant.
Genome position (GRCh38, 1-based): chr19:55,157,045, C>T on the plus strand (G>A on the coding strand, the complement: TNNI3 is on the minus strand). VCF-style: chr19-55157045-C-T. GRCh37 (hg19) VCF-style: chr19-55668413-C-T.
Identifiers: ClinVar variation 965981 (VCV000965981.9), dbSNP rs1261858318, ClinGen allele CA913035602.
Genomic context (GRCh38, chr19:55,157,045, plus strand): 5'-CCCCACTCCCAGGGTCTTGGATCCCTCCGGCGCCTGTACTCTGCCCCCAGGAAGCCCCGT[C>T]CCACCTTGGCGTGCGGCTCCGTGGCATAAGCGCGGTAGTTGGAGGAGCGGCGTCTGATTG-3'

ClinVar aggregate classification (germline): Uncertain significance. Review status: criteria provided, multiple submitters, no conflicts (2 of 4 stars). 2 submissions from 2 submitters: Uncertain significance (2). Last evaluated 2024-12-31.

Conditions:
Cardiovascular phenotype. Identifiers: MedGen CN230736.
Hypertrophic cardiomyopathy. Also called: HYPERTROPHIC MYOCARDIOPATHY. Identifiers: Orphanet 217569, MedGen C0007194, MeSH D002312, MONDO:0005045, HP:0001639.

Allele frequency attached by ClinVar (database versions not stated): TOPMed below 0.00001.

Submissions (2):

Labcorp Genetics (formerly Invitae), Labcorp
Classification: Uncertain significance for Hypertrophic cardiomyopathy. Last evaluated: 2024-12-31. Review status: criteria provided, single submitter. Criteria: Invitae Variant Classification Sherloc (09022015). Collection method: clinical testing. Allele origin: germline.
Comment: This sequence change falls in intron 3 of the TNNI3 gene. It does not directly change the encoded amino acid sequence of the TNNI3 protein. It affects a nucleotide within the consensus splice site. This variant is not present in population databases (gnomAD no frequency). This variant has not been reported in the literature in individuals affected with TNNI3-related conditions. ClinVar contains an entry for this variant (Variation ID: 965981). Variants that disrupt the consensus splice site are a relatively common cause of aberrant splicing (PMID: 17576681, 9536098). Algorithms developed to predict the effect of sequence changes on RNA splicing suggest that this variant may disrupt the consensus splice site. In summary, the available evidence is currently insufficient to determine the role of this variant in disease. Therefore, it has been classified as a Variant of Uncertain Significance.

Ambry Genetics
Classification: Uncertain significance for Cardiovascular phenotype. Last evaluated: 2020-07-06. Review status: criteria provided, single submitter. Criteria: Ambry Variant Classification Scheme 2023. Collection method: clinical testing. Allele origin: germline.
Comment: The c.108+5G>A intronic variant results from a G to A substitution 5 nucleotides after coding exon 3 in the TNNI3 gene. This nucleotide position is well conserved in available vertebrate species. Using the BDGP and ESEfinder splice site prediction tools, this alteration is predicted to weaken the efficiency of the native splice donor site; however, direct evidence is unavailable. Since supporting evidence is limited at this time, the clinical significance of this alteration remains unclear.

Literature cited by the submitters: PubMed 17576681 (cited by Labcorp Genetics (formerly Invitae), Labcorp); PubMed 9536098 (cited by Labcorp Genetics (formerly Invitae), Labcorp).